The following is an entry in ClinVar:

NM_001286577.2(C2CD3):c.1655_1656inv (p.Pro552Leu)

Gene: C2CD3 (C2 domain containing 3 centriole elongation regulator; minus strand). Cytogenetic location: 11q13.4.
Variant type: Inversion.
Coding change: c.1655_1656inv on transcript NM_001286577.2 (MANE Select).
Protein change: p.Pro552Leu; replaces proline 552 with leucine.
Molecular consequence: missense variant.
Genome position: GRCh38 VCF-style: chr11-74114458-TG-CA. GRCh37 (hg19) VCF-style: chr11-73825503-TG-CA.
Other names: c.1655_1656inv, p.Pro552Leu (NM_015531.6); short protein forms P552L.
Identifiers: ClinVar variation 1942347 (VCV001942347.5), ClinGen allele CA2580084881.

ClinVar aggregate classification (germline): Uncertain significance (1 of 4 stars; one submission).

Submission:

Labcorp Genetics (formerly Invitae), Labcorp
Classification: Uncertain significance. Last evaluated: 2022-07-05. Review status: criteria provided, single submitter. Criteria: Invitae Variant Classification Sherloc (09022015). Collection method: clinical testing. Allele origin: germline.
Comment: In summary, the available evidence is currently insufficient to determine the role of this variant in disease. Therefore, it has been classified as a Variant of Uncertain Significance. Algorithms developed to predict the effect of missense changes on protein structure and function are either unavailable or do not agree on the potential impact of this missense change (SIFT: "Not Available"; PolyPhen-2: "Benign"; Align-GVGD: "Not Available"). This variant has not been reported in the literature in individuals affected with C2CD3-related conditions. Information on the frequency of this variant in the gnomAD database is not available, as this variant may be reported differently in the database. This sequence change replaces proline, which is neutral and non-polar, with leucine, which is neutral and non-polar, at codon 552 of the C2CD3 protein (p.Pro552Leu).